The following is an entry in ClinVar:

NM_000038.6(APC):c.4027dup (p.Ser1343fs)

Gene: APC (APC regulator of Wnt signaling pathway; plus strand). Cytogenetic location: 5q22.2.
Variant type: Duplication.
Coding change: c.4027dup on transcript NM_000038.6 (MANE Select); coding-DNA position 4027, one base duplicated (T; older notation c.4027dupT).
Protein change: p.Ser1343fs; shifts the reading frame from serine 1343.
Molecular consequence: frameshift variant.
Genome position (GRCh38, 1-based): chr5:112,839,621, T duplicated. VCF-style (leftmost placement, unchanged base first): chr5-112839620-A-AT. GRCh37 (hg19) VCF-style: chr5-112175317-A-AT.
Other names: c.4027dup, p.Ser1343fs (NM_001127510.3, NM_001354895.2); c.3973dup, p.Ser1325fs (NM_001127511.3); c.4081dup, p.Ser1361fs (NM_001354896.2); c.4057dup, p.Ser1353fs (NM_001354897.2); c.3952dup, p.Ser1318fs (NM_001354898.2); c.3943dup, p.Ser1315fs (NM_001354899.2); c.3904dup, p.Ser1302fs (NM_001354900.2); c.3850dup, p.Ser1284fs (NM_001354901.2); and 5 more; short protein forms S1284fs, S1315fs, S1060fs, S1242fs, S1302fs, S1318fs, S1325fs, S1183fs.
Identifiers: ClinVar variation 837594 (VCV000837594.11), dbSNP rs1765584708, ClinGen allele CA445964048.

ClinVar aggregate classification (germline): Pathogenic (1 of 4 stars; one submission).

Conditions:
Familial adenomatous polyposis 1 (FAP1). Also called: FAMILIAL ADENOMATOUS POLYPOSIS 1, ATTENUATED; POLYPOSIS, ADENOMATOUS INTESTINAL. Identifiers: MedGen C2713442, MONDO:0021056, OMIM 175100. Disease mechanism: loss of function.

Submission:

Labcorp Genetics (formerly Invitae), Labcorp
Classification: Pathogenic for Familial adenomatous polyposis 1. Last evaluated: 2020-06-23. Review status: criteria provided, single submitter. Criteria: Invitae Variant Classification Sherloc (09022015). Collection method: clinical testing. Allele origin: germline.
Comment: For these reasons, this variant has been classified as Pathogenic. A different truncation (p.Tyr2645Lysfs*14) that lies downstream of this variant has been determined to be pathogenic (PMID: 9824584, 1316610, 27081525, 8381579, 22135120, Invitae). This suggests that deletion of this region of the APC protein is causative of disease. This variant is expected to disrupt the EB1 and HDLG binding sites, which mediate interactions with the cytoskeleton (PMID: 15311282, 17293347). While functional studies have not been performed to directly test the effect on APC protein function, this suggests that disruption of the C-terminal portion of the protein is functionally important. This variant has been observed in individual(s) with clinical features of familial adenomatous polyposis (PMID: 19768578). ClinVar contains an entry for this variant (Variation ID: 837594). This variant is not present in population databases (ExAC no frequency). This sequence change results in a premature translational stop signal in the APC gene (p.Ser1343Phefs*11). While this is not anticipated to result in nonsense mediated decay, it is expected to disrupt the last 1501 amino acids of the APC protein.

Literature cited by the submitters: PubMed 9824584; PubMed 1316610; PubMed 27081525; PubMed 8381579; PubMed 22135120; PubMed 15311282; PubMed 17293347; PubMed 19768578.